The following is an entry in ClinVar:

NM_007215.4(POLG2):c.1290G>A (p.Ser430=)

Genes: MILR1 (mast cell immunoglobulin like receptor 1; plus strand), POLG2 (DNA polymerase gamma 2, accessory subunit; minus strand). Cytogenetic location: 17q23.3.
Variant type: single nucleotide variant.
Coding change: c.1290G>A on transcript NM_007215.4 (MANE Select); coding-DNA position 1290, G replaced by A.
Protein change: p.Ser430=; no amino-acid change (serine 430 retained).
Molecular consequence: synonymous variant.
Genome position (GRCh38, 1-based): chr17:64,480,291, C>T on the plus strand (G>A on the coding strand, the complement: POLG2 is on the minus strand). VCF-style: chr17-64480291-C-T. GRCh37 (hg19) VCF-style: chr17-62476408-C-T.
Other names: c.1290G>A (NM_007215.3).
Identifiers: ClinVar variation 1989385 (VCV001989385.5), dbSNP rs1318108547, ClinGen allele CA501453899.

ClinVar aggregate classification (germline): Likely benign. Review status: criteria provided, multiple submitters, no conflicts (2 of 4 stars). 2 submissions from 2 submitters: Likely benign (2). Last evaluated 2025-12-01.

Conditions:
POLG2-related disorder. Also called: POLG2-related disorders; POLG2-related condition.

Allele frequency attached by ClinVar (database versions not stated): gnomAD 0.00001; gnomAD exomes 0.00001; TOPMed below 0.00001.
gnomAD v4.1: 11 of 1,475,610 alleles (0.00075%); highest among the groups gnomAD compares: Middle Eastern, 0.017%; no homozygotes.

Submissions (2):

Labcorp Genetics (formerly Invitae), Labcorp
Classification: Likely benign. Last evaluated: 2025-12-01. Review status: criteria provided, single submitter. Criteria: Invitae Variant Classification Sherloc (09022015). Collection method: clinical testing. Allele origin: germline.

PreventionGenetics, part of Exact Sciences
Classification: Likely benign for POLG2-related condition. Last evaluated: 2025-01-14. Review status: criteria provided, single submitter. Criteria: ACMG Guidelines, 2015. Collection method: clinical testing. Allele origin: germline.
Comment: This variant is classified as likely benign based on ACMG/AMP sequence variant interpretation guidelines (Richards et al. 2015 PMID: 25741868, with internal and published modifications).